The following is an entry in ClinVar:

ClinVar aggregate classification (germline): Uncertain significance (1 of 4 stars; one submission).

Submission:

CeGaT Center for Human Genetics Tuebingen
Classification: Uncertain significance. Last evaluated: 2023-08-01. Review status: criteria provided, single submitter. Criteria: CeGaT Center For Human Genetics Tuebingen Variant Classification Criteria Version 2. Collection method: clinical testing. Allele origin: germline. Affected: yes. Observed: 1 variant allele.
Comment: NARS1: PM2, PVS1:Moderate

NM_004539.4(NARS1):c.1491del (p.Tyr499fs)

Gene: NARS1 (asparaginyl-tRNA synthetase 1; minus strand). Cytogenetic location: 18q21.31.
Variant type: Deletion.
Coding change: c.1491del on transcript NM_004539.4 (MANE Select); coding-DNA position 1491, one base deleted (T; older notation c.1491delT).
Protein change: p.Tyr499fs; shifts the reading frame from tyrosine 499.
Molecular consequence: frameshift variant.
Genome position (GRCh38, 1-based): chr18:57,602,379, A deleted on the plus strand (T on the coding strand, the reverse complement: NARS1 is on the minus strand). VCF-style (leftmost placement, unchanged base first): chr18-57602378-GA-G. GRCh37 (hg19) VCF-style: chr18-55269610-GA-G.
Other names: short protein forms Y499fs.
Identifiers: ClinVar variation 2648748 (VCV002648748.24), dbSNP rs2511565951, ClinGen allele CA2695200405.